The following is an entry in ClinVar:

NM_024782.3(NHEJ1):c.765C>A (p.Asn255Lys)

Genes: NHEJ1 (non-homologous end joining factor 1; minus strand), LOC126806516 (BRD4-independent group 4 enhancer GRCh37_chr2:219941606-219942805; plus strand). Cytogenetic location: 2q35.
Variant type: single nucleotide variant.
Coding change: c.765C>A on transcript NM_024782.3 (MANE Select); coding-DNA position 765, C replaced by A.
Protein change: p.Asn255Lys; replaces asparagine 255 with lysine.
Molecular consequence: missense variant. On other transcripts: non-coding transcript variant (1).
Genome position (GRCh38, 1-based): chr2:219,077,306, G>T on the plus strand (C>A on the coding strand, the complement: NHEJ1 is on the minus strand). VCF-style: chr2-219077306-G-T. GRCh37 (hg19) VCF-style: chr2-219942028-G-T.
Other names: c.765C>A, p.Asn255Lys (NM_001377498.1); c.780C>A, p.Asn260Lys (NM_001377499.1); short protein forms N260K, N255K.
Identifiers: ClinVar variation 3008068 (VCV003008068.3), dbSNP rs1949023269, ClinGen allele CA350642278.

ClinVar aggregate classification (germline): Uncertain significance (1 of 4 stars; one submission).

Conditions:
Cernunnos-XLF deficiency (IMD124). Also called: NHEJ1 SYNDROME; Severe combined immunodeficiency with sensitivity to ionizing radiation due to NHEJ1 deficiency; SCID, autosomal recessive, T cell-negative, B cell-negative, NK cell-positive, and sensitivity to ionizing radiation due to NHEJ1 deficiency; IMMUNODEFICIENCY 124, SEVERE COMBINED; SCID, AUTOSOMAL RECESSIVE, T CELL-NEGATIVE, B CELL-NEGATIVE, NK CELL-POSITIVE, WITH MICROCEPHALY, GROWTH RETARDATION, AND SENSITIVITY TO IONIZING RADIATION. Identifiers: Orphanet 169079, MedGen C1969799, MONDO:0012650, OMIM 611291.

Allele frequency attached by ClinVar (database versions not stated): TOPMed below 0.00001.

Submission:

Labcorp Genetics (formerly Invitae), Labcorp
Classification: Uncertain significance for Cernunnos-XLF deficiency. Last evaluated: 2023-05-21. Review status: criteria provided, single submitter. Criteria: Invitae Variant Classification Sherloc (09022015). Collection method: clinical testing. Allele origin: germline.
Comment: In summary, the available evidence is currently insufficient to determine the role of this variant in disease. Therefore, it has been classified as a Variant of Uncertain Significance. Advanced modeling of protein sequence and biophysical properties (such as structural, functional, and spatial information, amino acid conservation, physicochemical variation, residue mobility, and thermodynamic stability) performed at Invitae indicates that this missense variant is not expected to disrupt NHEJ1 protein function. This variant has not been reported in the literature in individuals affected with NHEJ1-related conditions. This variant is not present in population databases (gnomAD no frequency). This sequence change replaces asparagine, which is neutral and polar, with lysine, which is basic and polar, at codon 255 of the NHEJ1 protein (p.Asn255Lys).